The following is an entry in ClinVar:

ClinVar aggregate classification (germline): Uncertain significance (1 of 4 stars; one submission).

Conditions:
Neonatal encephalomyopathy-cardiomyopathy-respiratory distress syndrome. Also called: Coenzyme Q10 deficiency, primary, 7. Identifiers: Orphanet 457185, MedGen C5568562, MONDO:0014562, OMIM 616276.

gnomAD v4.1: 5 of 1,611,918 alleles (0.00031%); highest among the groups gnomAD compares: South Asian, 0.0011%; no homozygotes.

Submission:

Labcorp Genetics (formerly Invitae), Labcorp
Classification: Uncertain significance for Neonatal encephalomyopathy-cardiomyopathy-respiratory distress syndrome. Last evaluated: 2023-11-27. Review status: criteria provided, single submitter. Criteria: Invitae Variant Classification Sherloc (09022015). Collection method: clinical testing. Allele origin: germline.
Comment: This sequence change replaces alanine, which is neutral and non-polar, with threonine, which is neutral and polar, at codon 34 of the COQ4 protein (p.Ala34Thr). This variant is not present in population databases (gnomAD no frequency). This variant has not been reported in the literature in individuals affected with COQ4-related conditions. ClinVar contains an entry for this variant (Variation ID: 1920980). Algorithms developed to predict the effect of missense changes on protein structure and function output the following: SIFT: "Not Available"; PolyPhen-2: "Benign"; Align-GVGD: "Not Available". The threonine amino acid residue is found in multiple mammalian species, which suggests that this missense change does not adversely affect protein function. In summary, the available evidence is currently insufficient to determine the role of this variant in disease. Therefore, it has been classified as a Variant of Uncertain Significance.

NM_016035.5(COQ4):c.100G>A (p.Ala34Thr)

Gene: COQ4 (coenzyme Q4; plus strand). Cytogenetic location: 9q34.11.
Variant type: single nucleotide variant.
Coding change: c.100G>A on transcript NM_016035.5 (MANE Select); coding-DNA position 100, G replaced by A.
Protein change: p.Ala34Thr; replaces alanine 34 with threonine.
Molecular consequence: missense variant.
Genome position (GRCh38, 1-based): chr9:128,323,045, G>A. VCF-style: chr9-128323045-G-A. GRCh37 (hg19) VCF-style: chr9-131085324-G-A.
Other names: c.100G>A, p.Ala34Thr (NM_001305942.2); short protein forms A34T.
Identifiers: ClinVar variation 1920980 (VCV001920980.4), dbSNP rs1384403987, ClinGen allele CA375017311.